The following is an entry in ClinVar:

NM_017534.6(MYH2):c.2775C>G (p.Ile925Met)

Genes: MYH2 (myosin heavy chain 2; minus strand), MYHAS (myosin heavy chain gene cluster antisense RNA; plus strand). Cytogenetic location: 17p13.1.
Variant type: single nucleotide variant.
Coding change: c.2775C>G on transcript NM_017534.6 (MANE Select); coding-DNA position 2775, C replaced by G.
Protein change: p.Ile925Met; replaces isoleucine 925 with methionine.
Molecular consequence: missense variant.
Genome position (GRCh38, 1-based): chr17:10,529,997, G>C on the plus strand (C>G on the coding strand, the complement: MYH2 is on the minus strand). VCF-style: chr17-10529997-G-C. GRCh37 (hg19) VCF-style: chr17-10433314-G-C.
Other names: c.2775C>G (NM_017534.5); c.2775C>G, p.Ile925Met (NM_001100112.2); short protein forms I925M.
Identifiers: ClinVar variation 2025541 (VCV002025541.5), dbSNP rs568381131, ClinGen allele CA8391065.
Genomic context (GRCh38, chr17:10,529,997, plus strand): 5'-CTTGGCTGTCAGCTCAGCATTGATCTCTTCCTCATCCTCAGCTCTCTCAGTCACCTCTTT[G>C]ATTTTGGCTTCTAGCTGGATTTTGGTTTTGATTAGCTGGTCACACCTTTCCTCTGCATCA-3'
Protein context (NP_060004.3, residues 915-935): IKTKIQLEAK[Ile925Met]KEVTERAEDE

ClinVar aggregate classification (germline): Uncertain significance. Review status: criteria provided, multiple submitters, no conflicts (2 of 4 stars). 2 submissions from 2 submitters: Uncertain significance (2). Last evaluated 2024-08-14.

Conditions:
Inborn genetic diseases. Identifiers: MedGen C0950123, MeSH D030342.
Myopathy, proximal, and ophthalmoplegia (CMYO6). Also called: INCLUSION BODY MYOPATHY 3, AUTOSOMAL DOMINANT; CONGENITAL MYOPATHY 6 WITH OPHTHALMOPLEGIA; MYOPATHY WITH CONGENITAL JOINT CONTRACTURES, OPHTHALMOPLEGIA, AND RIMMED VACUOLES. Identifiers: Orphanet 363677, Orphanet 79091, MedGen C1854106, MONDO:0011577, OMIM 605637.

Allele frequency attached by ClinVar (database versions not stated): gnomAD 0.00001; gnomAD exomes 0.00001; ExAC 0.00002; 1000 Genomes Project 30x 0.00016; 1000 Genomes Project 0.00020.
gnomAD v4.1: 15 of 1,614,018 alleles (0.00093%); highest among the groups gnomAD compares: South Asian, 0.014%; no homozygotes.

Submissions (2):

Ambry Genetics
Classification: Uncertain significance for Inborn genetic diseases. Last evaluated: 2024-08-14. Review status: criteria provided, single submitter. Criteria: Ambry Variant Classification Scheme 2023. Collection method: clinical testing. Allele origin: germline.

Labcorp Genetics (formerly Invitae), Labcorp
Classification: Uncertain significance for Myopathy, proximal, and ophthalmoplegia. Last evaluated: 2022-05-25. Review status: criteria provided, single submitter. Criteria: Invitae Variant Classification Sherloc (09022015). Collection method: clinical testing. Allele origin: germline.
Comment: In summary, the available evidence is currently insufficient to determine the role of this variant in disease. Therefore, it has been classified as a Variant of Uncertain Significance. Algorithms developed to predict the effect of missense changes on protein structure and function are either unavailable or do not agree on the potential impact of this missense change (SIFT: "Deleterious"; PolyPhen-2: "Benign"; Align-GVGD: "Class C0"). This variant has not been reported in the literature in individuals affected with MYH2-related conditions. This variant is present in population databases (rs568381131, gnomAD 0.02%). This sequence change replaces isoleucine, which is neutral and non-polar, with methionine, which is neutral and non-polar, at codon 925 of the MYH2 protein (p.Ile925Met).